The following is an entry in ClinVar:

NM_001365536.1(SCN9A):c.3839A>G (p.Tyr1280Cys)

Genes: SCN1A-AS1 (SCN1A and SCN9A antisense RNA 1; plus strand), SCN9A (sodium voltage-gated channel alpha subunit 9; minus strand). Cytogenetic location: 2q24.3.
Variant type: single nucleotide variant.
Coding change: c.3839A>G on transcript NM_001365536.1 (MANE Select); coding-DNA position 3839, A replaced by G.
Protein change: p.Tyr1280Cys; replaces tyrosine 1280 with cysteine.
Molecular consequence: missense variant.
Genome position (GRCh38, 1-based): chr2:166,233,425, T>C on the plus strand (A>G on the coding strand, the complement: SCN9A is on the minus strand). VCF-style: chr2-166233425-T-C. GRCh37 (hg19) VCF-style: chr2-167089935-T-C.
Other names: c.3806A>G, p.Tyr1269Cys (NM_002977.4); short protein forms Y1269C, Y1280C.
Identifiers: ClinVar variation 571403 (VCV000571403.8), dbSNP rs200153808, ClinGen allele CA59812152.

ClinVar aggregate classification (germline): Uncertain significance. Review status: criteria provided, multiple submitters, no conflicts (2 of 4 stars). 2 submissions from 2 submitters: Uncertain significance (2). Last evaluated 2026-02-19.

Conditions:
Neuropathy, hereditary sensory and autonomic, type 2A (HSAN2A). Also called: ACROOSTEOLYSIS, GIACCAI TYPE; ACROOSTEOLYSIS, NEUROGENIC; HSAN IIA; WNK1-Related HSAN2 (HSAN2A); MORVAN DISEASE; NEUROPATHY, CONGENITAL SENSORY. Identifiers: Orphanet 970, MedGen C2752089, MONDO:0024309, OMIM 201300.
Generalized epilepsy with febrile seizures plus, type 7 (GEFSP7). Also called: GEFS+, TYPE 7. Identifiers: Orphanet 36387, MedGen C2751778, MONDO:0013470, OMIM 613863.

Allele frequency attached by ClinVar (database versions not stated): gnomAD 0.00002; gnomAD exomes 0.00002; TOPMed 0.00005.
gnomAD v4.1: 37 of 1,577,490 alleles (0.0023%); highest among the groups gnomAD compares: Non-Finnish European, 0.0029%; no homozygotes.

Submissions (2):

GeneDx
Classification: Uncertain significance. Last evaluated: 2026-02-19. Review status: criteria provided, single submitter. Criteria: GeneDx Variant Classification Process June 2021. Collection method: clinical testing. Allele origin: germline.
Comment: Not observed at significant frequency in large population cohorts (gnomAD); In silico analysis supports that this missense variant has a deleterious effect on protein structure/function; Has not been previously published as pathogenic or benign to our knowledge

Labcorp Genetics (formerly Invitae), Labcorp
Classification: Uncertain significance for Neuropathy, hereditary sensory and autonomic, type 2A; Generalized epilepsy with febrile seizures plus, type 7. Last evaluated: 2025-10-23. Review status: criteria provided, single submitter. Criteria: Invitae Variant Classification Sherloc (09022015). Collection method: clinical testing. Allele origin: germline.
Comment: This sequence change replaces tyrosine, which is neutral and polar, with cysteine, which is neutral and slightly polar, at codon 1269 of the SCN9A protein (p.Tyr1269Cys). This variant is not present in population databases (gnomAD no frequency). This variant has not been reported in the literature in individuals affected with SCN9A-related conditions. ClinVar contains an entry for this variant (Variation ID: 571403). Invitae Evidence Modeling of protein sequence and biophysical properties (such as structural, functional, and spatial information, amino acid conservation, physicochemical variation, residue mobility, and thermodynamic stability) indicates that this missense variant is not expected to disrupt SCN9A protein function with a negative predictive value of 95%. In summary, the available evidence is currently insufficient to determine the role of this variant in disease. Therefore, it has been classified as a Variant of Uncertain Significance.